The following is an entry in ClinVar:

NM_001286577.2(C2CD3):c.2501G>A (p.Cys834Tyr)

Gene: C2CD3 (C2 domain containing 3 centriole elongation regulator; minus strand). Cytogenetic location: 11q13.4.
Variant type: single nucleotide variant.
Coding change: c.2501G>A on transcript NM_001286577.2 (MANE Select); coding-DNA position 2501, G replaced by A.
Protein change: p.Cys834Tyr; replaces cysteine 834 with tyrosine.
Molecular consequence: missense variant.
Genome position (GRCh38, 1-based): chr11:74,103,210, C>T on the plus strand (G>A on the coding strand, the complement: C2CD3 is on the minus strand). VCF-style: chr11-74103210-C-T. GRCh37 (hg19) VCF-style: chr11-73814255-C-T.
Other names: p.Cys834Tyr; c.2501G>A, p.Cys834Tyr (NM_015531.6); c.2501G>A (NM_001286577.1); short protein forms C834Y.
Identifiers: ClinVar variation 721592 (VCV000721592.14), dbSNP rs151131853, ClinGen allele CA6182637.
Genomic context (GRCh38, chr11:74,103,210, plus strand): 5'-GGTTGTGTTGTGCCCCATGCGATGACAGATCTGGTGACTTCCTCTGTGCTGAAGAGTTTA[C>T]AATTTAAATAAACATTGCATGGTGATTGTTTCTCAGATTCTCCACTAATAAAATCTTTCC-3'
Protein context (NP_001273506.1, residues 824-844): KQSPCNVYLN[Cys834Tyr]KLFSTEEVTR

ClinVar aggregate classification (germline): Conflicting classifications of pathogenicity. Review status: criteria provided, conflicting classifications (1 of 4 stars). 4 submissions from 4 submitters: Uncertain significance (2); Likely benign (1). 1 of the submissions does not count toward it. Last evaluated 2025-12-17.

Conditions:
C2CD3-related disorder. Also called: C2CD3-related condition.

Allele frequency attached by ClinVar (database versions not stated): gnomAD exomes 0.00010 and 0.00027; ExAC 0.00034; gnomAD 0.00103 and 0.00111; TOPMed 0.00127; 1000 Genomes Project 0.00140; 1000 Genomes Project 30x 0.00156; ESP Exome Variant Server 0.00169.
gnomAD v4.1: 303 of 1,614,144 alleles (0.019%); highest among the groups gnomAD compares: African/African-American, 0.39%; no homozygotes.

Submissions (4):

Labcorp Genetics (formerly Invitae), Labcorp
Classification: Likely benign. Last evaluated: 2025-12-17. Review status: criteria provided, single submitter. Criteria: Invitae Variant Classification Sherloc (09022015). Collection method: clinical testing. Allele origin: germline.

Mayo Clinic Laboratories, Mayo Clinic
Classification: Uncertain significance. Last evaluated: 2025-10-17. Review status: criteria provided, single submitter. Criteria: ACMG Guidelines, 2015. Collection method: clinical testing. Allele origin: germline. Observed: 1 variant allele.
Comment: BS1, PP3_moderate

GeneDx
Classification: Uncertain significance. Last evaluated: 2025-09-23. Review status: criteria provided, single submitter. Criteria: GeneDx Variant Classification Process June 2021. Collection method: clinical testing. Allele origin: germline. Affected: yes.
Comment: In silico analysis supports that this missense variant has a deleterious effect on protein structure/function; Has not been previously published as pathogenic or benign to our knowledge

PreventionGenetics, part of Exact Sciences
Classification: Likely benign for C2CD3-related condition. Last evaluated: 2023-12-11. Review status: no assertion criteria provided. Collection method: clinical testing. Allele origin: germline. Not counted in ClinVar's aggregate classification.
Comment: This variant is classified as likely benign based on ACMG/AMP sequence variant interpretation guidelines (Richards et al. 2015 PMID: 25741868, with internal and published modifications).